The following is an entry in ClinVar:

ClinVar aggregate classification (germline): Likely pathogenic. Review status: criteria provided, multiple submitters, no conflicts (2 of 4 stars). 2 submissions from 2 submitters: Likely pathogenic (2). Last evaluated 2025-11-20.

Conditions:
Wiedemann-Steiner syndrome (WDSTS). Also called: Growth deficiency and mental retardation with facial dysmorphism. Identifiers: Orphanet 319182, MedGen C1854630, MONDO:0011518, OMIM 605130.

Submissions (2):

Dasa
Classification: Likely pathogenic for Wiedemann-Steiner syndrome. Last evaluated: 2025-11-20. Review status: criteria provided, single submitter. Criteria: DASA Assertion Criteria. Collection method: clinical testing. Allele origin: germline.
Comment: NM_001197104.2(KMT2A):c.9495dup (p.His3166Thrfs*10) is a frameshift variant in KMT2A predicted to alter the reading frame and introduce a premature termination codon and is predicted to result in an absent or altered protein product. Loss of function is an established disease mechanism for KMT2A (PMID: 22795537; PMID: 24818805; PMID: 27759909). Also, this variant is absent from population databases. Based on the currently available evidence, this variant is classified as likely pathogenic.

Laboratory of Genetics, Children's Clinical University Hospital Latvia
Classification: Likely pathogenic. Last evaluated: 2025-02-16. Review status: criteria provided, single submitter. Criteria: ACMG Guidelines, 2015. Collection method: clinical testing. Allele origin: germline. Affected: yes.

Literature cited by the submitters: PubMed 22795537 (cited by Dasa); PubMed 24818805 (cited by Dasa); PubMed 27759909 (cited by Dasa).

NM_001197104.2(KMT2A):c.9495dup (p.His3166fs)

Gene: KMT2A (lysine methyltransferase 2A; plus strand). Cytogenetic location: 11q23.3.
Variant type: Duplication.
Coding change: c.9495dup on transcript NM_001197104.2 (MANE Select); coding-DNA position 9495, one base duplicated (A; older notation c.9495dupA).
Protein change: p.His3166fs; shifts the reading frame from histidine 3166.
Molecular consequence: frameshift variant.
Genome position (GRCh38, 1-based): chr11:118,505,387, A duplicated. VCF-style (leftmost placement, unchanged base first): chr11-118505386-T-TA. GRCh37 (hg19) VCF-style: chr11-118376101-T-TA.
Other names: c.9585dup, p.His3196fs (NM_001412597.1); c.9486dup, p.His3163fs (NM_005933.4); short protein forms H3163fs, H3166fs, H3196fs.
Identifiers: ClinVar variation 3911568 (VCV003911568.3).